The following is an entry in ClinVar:

NM_145068.4(TRPV3):c.562C>T (p.Arg188Trp)

Gene: TRPV3 (transient receptor potential cation channel subfamily V member 3; minus strand). Cytogenetic location: 17p13.2.
Variant type: single nucleotide variant.
Coding change: c.562C>T on transcript NM_145068.4 (MANE Select); coding-DNA position 562, C replaced by T.
Protein change: p.Arg188Trp; replaces arginine 188 with tryptophan.
Molecular consequence: missense variant.
Genome position (GRCh38, 1-based): chr17:3,542,603, G>A on the plus strand (C>T on the coding strand, the complement: TRPV3 is on the minus strand). VCF-style: chr17-3542603-G-A. GRCh37 (hg19) VCF-style: chr17-3445897-G-A.
Other names: c.562C>T, p.Arg188Trp (NM_001258205.2); c.562C>T (NM_145068.2); short protein forms R188W.
Identifiers: ClinVar variation 3627410 (VCV003627410.3).

ClinVar aggregate classification (germline): Uncertain significance. Review status: criteria provided, multiple submitters, no conflicts (2 of 4 stars). 2 submissions from 2 submitters: Uncertain significance (2). Last evaluated 2025-07-31.

Conditions:
Inborn genetic diseases. Identifiers: MedGen C0950123, MeSH D030342.

gnomAD v4.1: 24 of 1,613,858 alleles (0.0015%); highest among the groups gnomAD compares: East Asian, 0.0067%; no homozygotes.

Submissions (2):

Ambry Genetics
Classification: Uncertain significance for Inborn genetic diseases. Last evaluated: 2025-07-31. Review status: criteria provided, single submitter. Criteria: Ambry Variant Classification Scheme 2023. Collection method: clinical testing. Allele origin: germline.

Labcorp Genetics (formerly Invitae), Labcorp
Classification: Uncertain significance. Last evaluated: 2024-04-25. Review status: criteria provided, single submitter. Criteria: Invitae Variant Classification Sherloc (09022015). Collection method: clinical testing. Allele origin: germline.
Comment: This sequence change replaces arginine, which is basic and polar, with tryptophan, which is neutral and slightly polar, at codon 188 of the TRPV3 protein (p.Arg188Trp). This variant is present in population databases (rs780626898, gnomAD 0.006%). This variant has not been reported in the literature in individuals affected with TRPV3-related conditions. An algorithm developed to predict the effect of missense changes on protein structure and function (PolyPhen-2) suggests that this variant is likely to be disruptive. In summary, the available evidence is currently insufficient to determine the role of this variant in disease. Therefore, it has been classified as a Variant of Uncertain Significance.